The following is an entry in ClinVar:

NM_006230.4(POLD2):c.611T>G (p.Leu204Arg)

Gene: POLD2 (DNA polymerase delta 2, accessory subunit; minus strand). Cytogenetic location: 7p13.
Variant type: single nucleotide variant.
Coding change: c.611T>G on transcript NM_006230.4 (MANE Select); coding-DNA position 611, T replaced by G.
Protein change: p.Leu204Arg; replaces leucine 204 with arginine.
Molecular consequence: missense variant.
Genome position (GRCh38, 1-based): chr7:44,116,986, A>C on the plus strand (T>G on the coding strand, the complement: POLD2 is on the minus strand). VCF-style: chr7-44116986-A-C. GRCh37 (hg19) VCF-style: chr7-44156585-A-C.
Other names: c.611T>G, p.Leu204Arg (NM_001127218.3, NM_001256879.2); short protein forms L204R.
Identifiers: ClinVar variation 3647918 (VCV003647918.2).

ClinVar aggregate classification (germline): Uncertain significance (1 of 4 stars; one submission).

Submission:

Labcorp Genetics (formerly Invitae), Labcorp
Classification: Uncertain significance. Last evaluated: 2024-04-02. Review status: criteria provided, single submitter. Criteria: Invitae Variant Classification Sherloc (09022015). Collection method: clinical testing. Allele origin: germline.
Comment: This sequence change replaces leucine, which is neutral and non-polar, with arginine, which is basic and polar, at codon 239 of the POLD2 protein (p.Leu239Arg). This variant is not present in population databases (gnomAD no frequency). This variant has not been reported in the literature in individuals affected with POLD2-related conditions. Experimental studies and prediction algorithms are not available or were not evaluated, and the functional significance of this variant is currently unknown. In summary, the available evidence is currently insufficient to determine the role of this variant in disease. Therefore, it has been classified as a Variant of Uncertain Significance.